The following is an entry in ClinVar:

ClinVar aggregate classification (germline): Likely benign (0 of 4 stars; one submission).

Conditions:
UACA-related disorder. Also called: UACA-related condition.

Allele frequency attached by ClinVar (database versions not stated): 1000 Genomes Project 30x 0.00078; 1000 Genomes Project 0.00080; ESP Exome Variant Server 0.00085; gnomAD exomes 0.00010; ExAC 0.00031; gnomAD 0.00091; TOPMed 0.00109.
gnomAD v4.1: 292 of 1,613,648 alleles (0.018%); highest among the groups gnomAD compares: African/African-American, 0.3%; 1 homozygote.

Submission:

PreventionGenetics, part of Exact Sciences
Classification: Likely benign for UACA-related condition. Last evaluated: 2023-02-27. Review status: no assertion criteria provided. Collection method: clinical testing. Allele origin: germline.
Comment: This variant is classified as likely benign based on ACMG/AMP sequence variant interpretation guidelines (Richards et al. 2015 PMID: 25741868, with internal and published modifications).

NM_018003.4(UACA):c.4007A>G (p.Asn1336Ser)

Gene: UACA (uveal autoantigen with coiled-coil domains and ankyrin repeats; minus strand). Cytogenetic location: 15q23.
Variant type: single nucleotide variant.
Coding change: c.4007A>G on transcript NM_018003.4 (MANE Select); coding-DNA position 4007, A replaced by G.
Protein change: p.Asn1336Ser; replaces asparagine 1336 with serine.
Molecular consequence: missense variant.
Genome position (GRCh38, 1-based): chr15:70,664,768, T>C on the plus strand (A>G on the coding strand, the complement: UACA is on the minus strand). VCF-style: chr15-70664768-T-C. GRCh37 (hg19) VCF-style: chr15-70957107-T-C.
Other names: c.3968A>G, p.Asn1323Ser (NM_001008224.3); short protein forms N1323S, N1336S.
Identifiers: ClinVar variation 3047143 (VCV003047143.2), dbSNP rs146910380, ClinGen allele CA7636714.